The following is an entry in ClinVar:

NM_000535.7(PMS2):c.162T>C (p.Ile54=)

Gene: PMS2 (PMS1 homolog 2, mismatch repair system component; minus strand). Cytogenetic location: 7p22.1.
Variant type: single nucleotide variant.
Coding change: c.162T>C on transcript NM_000535.7 (MANE Select); coding-DNA position 162, T replaced by C.
Protein change: p.Ile54=; no amino-acid change (isoleucine 54 retained).
Molecular consequence: synonymous variant. On other transcripts: 5 prime UTR variant (38), non-coding transcript variant (1), intron variant (7).
Genome position (GRCh38, 1-based): chr7:6,005,893, A>G on the plus strand (T>C on the coding strand, the complement: PMS2 is on the minus strand). VCF-style: chr7-6005893-A-G. GRCh37 (hg19) VCF-style: chr7-6045524-A-G.
Other names: c.-244T>C (NM_001406905.1, NM_001406906.1, NM_001406908.1 and 11 more transcripts); c.-191T>C (NM_001406907.1, NM_001406909.1, NM_001406888.1 and 5 more transcripts); c.162T>C, p.Ile54= (NM_001406912.1, NM_001322006.2, NM_001322014.2 and 10 more transcripts); c.-52-1835T>C (NM_001322008.2); c.-218-1835T>C (NM_001406881.1); c.-189-1835T>C (NM_001406895.1); c.-242-1835T>C (NM_001406911.1, NM_001322010.2, NM_001322004.2); c.-321-1835T>C (NM_001406879.1); and 7 more.
Identifiers: ClinVar variation 2713611 (VCV002713611.3), dbSNP rs2128843691, ClinGen allele CA453649851.
Genomic context (GRCh38, chr7:6,005,893, plus strand): 5'-CTTAACTACAACAACATTCACAGATCATTTCTTGTGGCTTAAAACTCTCCCAAACTTACC[A>G]ATATTAGTGGCACCAGCATCCAGACTGTTTTCTACTAACTCCTTTACCGCAGTGCTTAGA-3'
Protein context (NP_000526.2, residues 44-64): ENSLDAGATN[Ile54=]DLKLKDYGVD

ClinVar aggregate classification (germline): Uncertain significance (1 of 4 stars; one submission).

Conditions:
Hereditary nonpolyposis colorectal neoplasms. Identifiers: MedGen C0009405, MeSH D003123.

Allele frequency attached by ClinVar (database versions not stated): gnomAD exomes below 0.00001.
gnomAD v4.1: 4 of 1,610,816 alleles (0.00025%); highest among the groups gnomAD compares: Non-Finnish European, 0.00034%; no homozygotes.

Submission:

Labcorp Genetics (formerly Invitae), Labcorp
Classification: Uncertain significance for Hereditary nonpolyposis colorectal neoplasms. Last evaluated: 2023-12-12. Review status: criteria provided, single submitter. Criteria: Invitae Variant Classification Sherloc (09022015). Collection method: clinical testing. Allele origin: germline.
Comment: This sequence change affects codon 54 of the PMS2 mRNA. It is a 'silent' change, meaning that it does not change the encoded amino acid sequence of the PMS2 protein. It affects a nucleotide within the consensus splice site. This variant is not present in population databases (gnomAD no frequency). This variant has not been reported in the literature in individuals affected with PMS2-related conditions. Algorithms developed to predict the effect of sequence changes on RNA splicing suggest that this variant is not likely to affect RNA splicing. In summary, the available evidence is currently insufficient to determine the role of this variant in disease. Therefore, it has been classified as a Variant of Uncertain Significance.